The following is an entry in ClinVar:

ClinVar aggregate classification (germline): Benign/Likely benign. Review status: criteria provided, multiple submitters, no conflicts (2 of 4 stars). 6 submissions from 6 submitters: Benign (4); Likely benign (2). Last evaluated 2026-02-04.

Conditions:
Primary ciliary dyskinesia. Also called: Ciliary dyskinesia. Identifiers: Orphanet 244, MedGen C0008780, MONDO:0016575, HP:0012265.

Allele frequency attached by ClinVar (database versions not stated): ESP Exome Variant Server 0.03753; gnomAD exomes 0.05143 and 0.10693; gnomAD 0.06188 and 0.06813; TOPMed 0.08295; ExAC 0.09828; 1000 Genomes Project 30x 0.13663; 1000 Genomes Project 0.13678.
gnomAD v4.1: 85,978 of 1,612,500 alleles (5.3%); highest among the groups gnomAD compares: Admixed American, 32%; 6,897 homozygotes.

Submissions (6):

Labcorp Genetics (formerly Invitae), Labcorp
Classification: Benign for Primary ciliary dyskinesia. Last evaluated: 2026-02-04. Review status: criteria provided, single submitter. Criteria: Invitae Variant Classification Sherloc (09022015). Collection method: clinical testing. Allele origin: germline.

Blueprint Genetics
Classification: Likely benign. Last evaluated: 2024-11-28. Review status: criteria provided, single submitter. Criteria: ACMG Guidelines, 2015. Collection method: clinical testing. Allele origin: germline.

GeneDx
Classification: Benign. Last evaluated: 2018-07-09. Review status: criteria provided, single submitter. Criteria: GeneDx Variant Classification Process June 2021. Collection method: clinical testing. Allele origin: germline. Affected: yes.

Laboratory for Molecular Medicine, Mass General Brigham Personalized Medicine
Classification: Benign. Last evaluated: 2016-03-28. Review status: criteria provided, single submitter. Criteria: LMM Criteria. Collection method: clinical testing. Allele origin: germline.
Comment: Variant identified in a genome or exome case(s) and assessed due to predicted null impact of the variant or pathogenic assertions in the literature or databases. Disclaimer: This variant has not undergone full assessment. The following are preliminary notes: Frequency

Breakthrough Genomics
Classification: Likely benign. Review status: criteria provided, single submitter. Criteria: ACMG Guidelines, 2015. Collection method: not provided. Allele origin: germline. Inheritance: Autosomal recessive inheritance. Affected: yes.

PreventionGenetics, part of Exact Sciences
Classification: Benign. Review status: criteria provided, single submitter. Criteria: ACMG Guidelines, 2015. Collection method: clinical testing. Allele origin: germline.

NM_001256715.2(DNAAF3):c.1164-14C>T

Genes: DNAAF3 (dynein axonemal assembly factor 3; minus strand), DNAAF3-AS1 (DNAAF3 antisense RNA 1; plus strand). Cytogenetic location: 19q13.42.
Variant type: single nucleotide variant.
Coding change: c.1164-14C>T on transcript NM_001256715.2 (MANE Select); 14 bases into the intron before coding-DNA position 1164, C replaced by T.
Molecular consequence: intron variant.
Genome position (GRCh38, 1-based): chr19:55,159,621, G>A on the plus strand (C>T on the coding strand, the complement: DNAAF3 is on the minus strand). VCF-style: chr19-55159621-G-A. GRCh37 (hg19) VCF-style: chr19-55670989-G-A.
Other names: c.1365-14C>T (NM_001256714.1); c.1305-14C>T (NM_178837.4); c.1002-14C>T (NM_001256716.2).
Identifiers: ClinVar variation 257682 (VCV000257682.20), dbSNP rs60176657, ClinGen allele CA9667859.